The following is an entry in ClinVar:

ClinVar aggregate classification (germline): Likely benign (1 of 4 stars; one submission).

Allele frequency attached by ClinVar (database versions not stated): 1000 Genomes Project 30x 0.00016; gnomAD 0.00016; gnomAD exomes 0.00016; TOPMed 0.00016; 1000 Genomes Project 0.00020; ExAC 0.00024; ESP Exome Variant Server 0.00025.
gnomAD v4.1: 269 of 1,613,362 alleles (0.017%); highest among the groups gnomAD compares: South Asian, 0.041%; no homozygotes.

Submission:

CeGaT Center for Human Genetics Tuebingen
Classification: Likely benign. Last evaluated: 2022-08-01. Review status: criteria provided, single submitter. Criteria: CeGaT Center For Human Genetics Tuebingen Variant Classification Criteria Version 2. Collection method: clinical testing. Allele origin: germline. Affected: yes. Observed: 1 variant allele.
Comment: UMODL1: BP4, BP7

NM_001004416.3(UMODL1):c.2115C>T (p.Ser705=)

Gene: UMODL1 (uromodulin like 1; plus strand). Cytogenetic location: 21q22.3.
Variant type: single nucleotide variant.
Coding change: c.2115C>T on transcript NM_001004416.3 (MANE Select); coding-DNA position 2115, C replaced by T.
Protein change: p.Ser705=; no amino-acid change (serine 705 retained).
Molecular consequence: synonymous variant.
Genome position (GRCh38, 1-based): chr21:42,113,583, C>T. VCF-style: chr21-42113583-C-T. GRCh37 (hg19) VCF-style: chr21-43533693-C-T.
Other names: c.2283C>T, p.Ser761= (NM_001199527.3); c.1899C>T, p.Ser633= (NM_001199528.4); c.2499C>T, p.Ser833= (NM_173568.4).
Identifiers: ClinVar variation 2652700 (VCV002652700.24), dbSNP rs150529475, ClinGen allele CA10040035.